The following is an entry in ClinVar:

NM_001009944.3(PKD1):c.5936_5949del (p.Cys1979fs)

Gene: PKD1 (polycystin 1, transient receptor potential channel interacting; minus strand). Cytogenetic location: 16p13.3.
Variant type: Deletion.
Coding change: c.5936_5949del on transcript NM_001009944.3 (MANE Select); coding-DNA positions 5936 to 5949, 14 bases deleted (GCTGCGAGCCTGGC).
Protein change: p.Cys1979fs; shifts the reading frame from cysteine 1979.
Molecular consequence: frameshift variant.
Genome position (GRCh38, 1-based): chr16:2,109,218-2,109,231, GCCAGGCTCGCAGC deleted on the plus strand (GCTGCGAGCCTGGC on the coding strand, the reverse complement: PKD1 is on the minus strand). VCF-style (leftmost placement, unchanged base first): chr16-2109217-TGCCAGGCTCGCAGC-T. GRCh37 (hg19) VCF-style: chr16-2159218-TGCCAGGCTCGCAGC-T.
Other names: p.Cys1979TyrfsTer6; c.5936_5949del, p.Cys1979fs (NM_000296.4); short protein forms C1979fs.
Identifiers: ClinVar variation 2506953 (VCV002506953.1), dbSNP rs2544807269, ClinGen allele CA2580613392.

ClinVar aggregate classification (germline): Likely pathogenic (1 of 4 stars; one submission).

Conditions:
Polycystic kidney disease, adult type (PKD1). Also called: Polycystic Kidney Disease 1, Autosomal Dominant; Polycystic kidney disease 1; Polycystic kidney disease 1, severe; Polycystic Kidney, Autosomal Dominant; POLYCYSTIC KIDNEY DISEASE, ADULT, TYPE I; POLYCYSTIC KIDNEY DISEASE 1 WITH OR WITHOUT POLYCYSTIC LIVER DISEASE. Identifiers: MedGen C3149841, MONDO:0008263, OMIM 173900.

Submission:

Genesis Genoma Lab
Classification: Likely pathogenic for Polycystic kidney disease, adult type. Last evaluated: 2023-06-26. Review status: criteria provided, single submitter. Criteria: ACMG Guidelines, 2015. Collection method: clinical testing. Allele origin: inherited. Inheritance: Autosomal dominant inheritance. Affected: yes. Observed: 1 heterozygote.
Comment: It is not reported in gnomAD database. Downstream frameshift mutations in PKD1 with pathogenic clinical significance was been reported in ClinVar database.